The following is an entry in ClinVar:

NM_015450.3(POT1):c.1793A>T (p.Asp598Val)

Gene: POT1 (protection of telomeres 1; minus strand). Cytogenetic location: 7q31.33.
Variant type: single nucleotide variant.
Coding change: c.1793A>T on transcript NM_015450.3 (MANE Select); coding-DNA position 1793, A replaced by T.
Protein change: p.Asp598Val; replaces aspartic acid 598 with valine.
Molecular consequence: missense variant. On other transcripts: non-coding transcript variant (3).
Genome position (GRCh38, 1-based): chr7:124,824,074, T>A on the plus strand (A>T on the coding strand, the complement: POT1 is on the minus strand). VCF-style: chr7-124824074-T-A. GRCh37 (hg19) VCF-style: chr7-124464128-T-A.
Other names: c.1400A>T, p.Asp467Val (NM_001042594.2); short protein forms D467V, D598V.
Identifiers: ClinVar variation 1018850 (VCV001018850.9), dbSNP rs1794572863, ClinGen allele CA369061360.
Genomic context (GRCh38, chr7:124,824,074, plus strand): 5'-TTATCTGTTCCATTTGTGACATTGTATGACTTGATGAAGCATTCCAACCACGGATATGCA[T>A]CTACAAAAACAAAAACAAAAAAAGCGATTTAACCATTAAAACAAAATAAATAACTCTGAA-3'
Protein context (NP_056265.2, residues 588-608): DMFCPPGIKI[Asp598Val]AYPWLECFIK

ClinVar aggregate classification (germline): Uncertain significance (1 of 4 stars; one submission).

Conditions:
Tumor predisposition syndrome 3 (TPDS3). Also called: Glioma susceptibility 9; LONG TELOMERE SYNDROME, POT1-RELATED; POT1 Tumor Predisposition; Melanoma, cutaneous malignant, susceptibility to, 10. Identifiers: Orphanet 618, MedGen C4014476, MONDO:0014368, OMIM 615848.

Submission:

Labcorp Genetics (formerly Invitae), Labcorp
Classification: Uncertain significance for Tumor predisposition syndrome 3. Last evaluated: 2020-08-09. Review status: criteria provided, single submitter. Criteria: Invitae Variant Classification Sherloc (09022015). Collection method: clinical testing. Allele origin: germline.
Comment: This variant has not been reported in the literature in individuals with POT1-related conditions. This sequence change replaces aspartic acid with valine at codon 598 of the POT1 protein (p.Asp598Val). The aspartic acid residue is highly conserved and there is a large physicochemical difference between aspartic acid and valine. This variant is not present in population databases (ExAC no frequency). Algorithms developed to predict the effect of missense changes on protein structure and function are either unavailable or do not agree on the potential impact of this missense change (SIFT: "Deleterious"; PolyPhen-2: "Possibly Damaging"; Align-GVGD: "Class C0"). Algorithms developed to predict the effect of sequence changes on RNA splicing suggest that this variant may disrupt the consensus splice site, but this prediction has not been confirmed by published transcriptional studies. In summary, the available evidence is currently insufficient to determine the role of this variant in disease. Therefore, it has been classified as a Variant of Uncertain Significance.